The following is an entry in ClinVar:

ClinVar aggregate classification (germline): Uncertain significance. Review status: criteria provided, multiple submitters, no conflicts (2 of 4 stars). 2 submissions from 2 submitters: Uncertain significance (2). Last evaluated 2022-08-04.

Conditions:
Biotin-responsive basal ganglia disease (BTBGD). Also called: THIAMINE METABOLISM DYSFUNCTION SYNDROME 2 (BIOTIN- AND THIAMINE-RESPONSIVE TYPE); Thiamine metabolism dysfunction syndrome 2 (biotin- or thiamine-responsive encephalopathy type 2); thiamine-responsive encephalopathy; Thiamine Transporter-2 Deficiency; Thiamine metabolism dysfunction syndrome type 2. Identifiers: Orphanet 199348, Orphanet 65284, MedGen C1843807, MONDO:0011841, OMIM 607483.

Submissions (2):

Labcorp Genetics (formerly Invitae), Labcorp
Classification: Uncertain significance for Biotin-responsive basal ganglia disease. Last evaluated: 2022-08-04. Review status: criteria provided, single submitter. Criteria: Invitae Variant Classification Sherloc (09022015). Collection method: clinical testing. Allele origin: germline.
Comment: In summary, the available evidence is currently insufficient to determine the role of this variant in disease. Therefore, it has been classified as a Variant of Uncertain Significance. Advanced modeling of protein sequence and biophysical properties (such as structural, functional, and spatial information, amino acid conservation, physicochemical variation, residue mobility, and thermodynamic stability) performed at Invitae indicates that this missense variant is expected to disrupt SLC19A3 protein function. This variant has not been reported in the literature in individuals affected with SLC19A3-related conditions. This variant is not present in population databases (gnomAD no frequency). This sequence change replaces glutamic acid, which is acidic and polar, with aspartic acid, which is acidic and polar, at codon 346 of the SLC19A3 protein (p.Glu346Asp).

Blueprint Genetics
Classification: Uncertain significance. Last evaluated: 2019-01-10. Review status: criteria provided, single submitter. Criteria: ACMG Guidelines, 2015. Collection method: clinical testing. Allele origin: germline.

NM_025243.4(SLC19A3):c.1038G>T (p.Glu346Asp)

Gene: SLC19A3 (solute carrier family 19 member 3; minus strand). Cytogenetic location: 2q36.3.
Variant type: single nucleotide variant.
Coding change: c.1038G>T on transcript NM_025243.4 (MANE Select); coding-DNA position 1038, G replaced by T.
Protein change: p.Glu346Asp; replaces glutamic acid 346 with aspartic acid.
Molecular consequence: missense variant.
Genome position (GRCh38, 1-based): chr2:227,696,023, C>A on the plus strand (G>T on the coding strand, the complement: SLC19A3 is on the minus strand). VCF-style: chr2-227696023-C-A. GRCh37 (hg19) VCF-style: chr2-228560739-C-A.
Other names: c.1038G>T, p.Glu346Asp (NM_001371411.1, NM_001371412.1); c.1026G>T, p.Glu342Asp (NM_001371413.1, NM_001371414.1); short protein forms E342D, E346D.
Identifiers: ClinVar variation 1958992 (VCV001958992.6), dbSNP rs2470568192, ClinGen allele CA350875915.
Genomic context (GRCh38, chr2:227,696,023, plus strand): 5'-TGTGTAATGCATGAGAAATAAAGAACCGGCATTGACAACTGAGAAGACCACCAGAGCCAG[C>A]TCTCCCAGAAGGTCCCAGTTGACTTTCACATAACCCACTGCAAAGGCAGCCACAGCCCCT-3'
Protein context (NP_079519.1, residues 336-356): YVKVNWDLLG[Glu346Asp]LALVVFSVVN